The following is an entry in ClinVar:

ClinVar aggregate classification (germline): Conflicting classifications of pathogenicity. Review status: criteria provided, conflicting classifications (1 of 4 stars). 4 submissions from 4 submitters: Uncertain significance (3); Likely benign (1). Last evaluated 2026-01-04.

Conditions:
Familial thoracic aortic aneurysm and aortic dissection (TAAD). Also called: Thoracic aortic aneurysms and dissections. Identifiers: Orphanet 91387, MedGen C4707243, MONDO:0019625.
Aortic aneurysm, familial thoracic 7 (AAT7). Also called: AORTIC DISSECTION, FAMILIAL, WITH OR WITHOUT AORTIC ANEURYSM. Identifiers: MedGen C3151077, MONDO:0013418, OMIM 613780.

Allele frequency attached by ClinVar (database versions not stated): ExAC 0.00001; TOPMed 0.00004; gnomAD 0.00005 and 0.00006; ESP Exome Variant Server 0.00008.
gnomAD v4.1: 15 of 1,613,710 alleles (0.00093%); highest among the groups gnomAD compares: African/African-American, 0.008%; no homozygotes.

Submissions (4):

Labcorp Genetics (formerly Invitae), Labcorp
Classification: Uncertain significance for Aortic aneurysm, familial thoracic 7. Last evaluated: 2026-01-04. Review status: criteria provided, single submitter. Criteria: Invitae Variant Classification Sherloc (09022015). Collection method: clinical testing. Allele origin: germline.
Comment: This sequence change replaces glutamic acid, which is acidic and polar, with aspartic acid, which is acidic and polar, at codon 158 of the MYLK protein (p.Glu158Asp). This variant is present in population databases (rs370158852, gnomAD 0.01%). This variant has not been reported in the literature in individuals affected with MYLK-related conditions. ClinVar contains an entry for this variant (Variation ID: 383787). Invitae Evidence Modeling of protein sequence and biophysical properties (such as structural, functional, and spatial information, amino acid conservation, physicochemical variation, residue mobility, and thermodynamic stability) indicates that this missense variant is not expected to disrupt MYLK protein function with a negative predictive value of 95%. In summary, the available evidence is currently insufficient to determine the role of this variant in disease. Therefore, it has been classified as a Variant of Uncertain Significance.

Blueprint Genetics
Classification: Likely benign. Last evaluated: 2023-05-09. Review status: criteria provided, single submitter. Criteria: ACMG Guidelines, 2015. Collection method: clinical testing. Allele origin: germline.

Ambry Genetics
Classification: Uncertain significance for Familial thoracic aortic aneurysm and aortic dissection. Last evaluated: 2022-12-13. Review status: criteria provided, single submitter. Criteria: Ambry Variant Classification Scheme 2023. Collection method: clinical testing. Allele origin: germline.
Comment: The p.E158D variant (also known as c.474G>T), located in coding exon 4 of the MYLK gene, results from a G to T substitution at nucleotide position 474. The glutamic acid at codon 158 is replaced by aspartic acid, an amino acid with highly similar properties. This amino acid position is conserved. In addition, this alteration is predicted to be tolerated by in silico analysis. Since supporting evidence is limited at this time, the clinical significance of this alteration remains unclear.

GeneDx
Classification: Uncertain significance. Last evaluated: 2016-12-20. Review status: criteria provided, single submitter. Criteria: GeneDx Variant Classification (06012015). Collection method: clinical testing. Allele origin: germline. Affected: yes.
Comment: The E158D variant in the MYLK gene has not been reported previously as a pathogenic variant, nor as a benign variant, to our knowledge. The E158D variant was not observed with any significant frequency in approximately 6,500 individuals of European and African American ancestry in the NHLBI Exome Sequencing Project. The E158D variant is a conservative amino acid substitution, which is not likely to impact secondary protein structure as these residues share similar properties. This substitution occurs at a position that is conserved across species. In silico analysis is inconsistent in its predictions as to whether or not the variant is damaging to the protein structure/function. We interpret E158D as a variant of uncertain significance.

NM_053025.4(MYLK):c.474G>T (p.Glu158Asp)

Gene: MYLK (myosin light chain kinase; minus strand). Cytogenetic location: 3q21.1.
Variant type: single nucleotide variant.
Coding change: c.474G>T on transcript NM_053025.4 (MANE Select); coding-DNA position 474, G replaced by T.
Protein change: p.Glu158Asp; replaces glutamic acid 158 with aspartic acid.
Molecular consequence: missense variant. On other transcripts: 5 prime UTR variant (1).
Genome position (GRCh38, 1-based): chr3:123,739,011, C>A on the plus strand (G>T on the coding strand, the complement: MYLK is on the minus strand). VCF-style: chr3-123739011-C-A. GRCh37 (hg19) VCF-style: chr3-123457858-C-A.
Other names: c.-55G>T (NM_001321309.2); c.474G>T, p.Glu158Asp (NM_053026.4, NM_053027.4, NM_053028.4); short protein forms E158D.
Identifiers: ClinVar variation 383787 (VCV000383787.8), dbSNP rs370158852, ClinGen allele CA072278.